The following is an entry in ClinVar:

ClinVar aggregate classification (germline): Benign (1 of 4 stars; one submission).

Allele frequency attached by ClinVar (database versions not stated): 1000 Genomes Project 0.26857; 1000 Genomes Project 30x 0.27233; TOPMed 0.37604; gnomAD 0.39112 and 0.40023.
gnomAD v4.1: 351,135 of 830,604 alleles (42%); highest among the groups gnomAD compares: Non-Finnish European, 49%; 79,701 homozygotes.

Submission:

GeneDx
Classification: Benign. Last evaluated: 2018-06-14. Review status: criteria provided, single submitter. Criteria: GeneDx Variant Classification (06012015). Collection method: clinical testing. Allele origin: germline. Affected: yes.
Comment: This variant is considered likely benign or benign based on one or more of the following criteria: it is a conservative change, it occurs at a poorly conserved position in the protein, it is predicted to be benign by multiple in silico algorithms, and/or has population frequency not consistent with disease.

NM_001013703.4(EIF2AK4):c.2631+123T>C

Gene: EIF2AK4 (eukaryotic translation initiation factor 2 alpha kinase 4; plus strand). Cytogenetic location: 15q15.1.
Variant type: single nucleotide variant.
Coding change: c.2631+123T>C on transcript NM_001013703.4 (MANE Select); 123 bases into the intron after coding-DNA position 2631, T replaced by C.
Molecular consequence: intron variant.
Genome position (GRCh38, 1-based): chr15:39,990,500, T>C. VCF-style: chr15-39990500-T-C. GRCh37 (hg19) VCF-style: chr15-40282701-T-C.
Identifiers: ClinVar variation 674665 (VCV000674665.1), dbSNP rs2307104, ClinGen allele CA14077585.
Genomic context (GRCh38, chr15:39,990,500, plus strand): 5'-AGTGTTAGCGGATAGAATAGTGCGTTCACAGAACTATGCCGTCTAATCCTCAGGAGATTA[T>C]ACAAACCTGAAGGGGTATGCTGCAAATGATCTTGTAGGCTTTGCAATTGTGAGTATATTT-3'